The following is an entry in ClinVar:

NM_032581.4(HYCC1):c.968G>A (p.Arg323Lys)

Gene: HYCC1 (hyccin PI4KA lipid kinase complex subunit 1; minus strand). Cytogenetic location: 7p15.3.
Variant type: single nucleotide variant.
Coding change: c.968G>A on transcript NM_032581.4 (MANE Select); coding-DNA position 968, G replaced by A.
Protein change: p.Arg323Lys; replaces arginine 323 with lysine.
Molecular consequence: missense variant.
Genome position (GRCh38, 1-based): chr7:22,960,279, C>T on the plus strand (G>A on the coding strand, the complement: HYCC1 is on the minus strand). VCF-style: chr7-22960279-C-T. GRCh37 (hg19) VCF-style: chr7-22999898-C-T.
Other names: c.968G>A, p.Arg323Lys (NM_001363466.2, NM_001363467.2); short protein forms R323K.
Identifiers: ClinVar variation 910977 (VCV000910977.42), dbSNP rs200744437, ClinGen allele CA4185857.

ClinVar aggregate classification (germline): Uncertain significance. Review status: criteria provided, multiple submitters, no conflicts (2 of 4 stars). 4 submissions from 4 submitters: Uncertain significance (4). Last evaluated 2024-10-28.

Conditions:
Hypomyelination and Congenital Cataract (HLD5). Also called: hypomyelinating leukodystrophy 5. Identifiers: Orphanet 85163, MedGen C1864663, MONDO:0012514, OMIM 610532.

Allele frequency attached by ClinVar (database versions not stated): ESP Exome Variant Server 0.00008; gnomAD 0.00009; TOPMed 0.00009; gnomAD exomes 0.00012 and 0.00013; ExAC 0.00018.
gnomAD v4.1: 199 of 1,613,762 alleles (0.012%); highest among the groups gnomAD compares: Non-Finnish European, 0.015%; no homozygotes.

Submissions (4):

Blueprint Genetics
Classification: Uncertain significance. Last evaluated: 2024-10-28. Review status: criteria provided, single submitter. Criteria: ACMG Guidelines, 2015. Collection method: clinical testing. Allele origin: germline.

Labcorp Genetics (formerly Invitae), Labcorp
Classification: Uncertain significance for Hypomyelination and Congenital Cataract. Last evaluated: 2022-10-05. Review status: criteria provided, single submitter. Criteria: Invitae Variant Classification Sherloc (09022015). Collection method: clinical testing. Allele origin: germline.
Comment: This sequence change replaces arginine, which is basic and polar, with lysine, which is basic and polar, at codon 323 of the FAM126A protein (p.Arg323Lys). This variant is present in population databases (rs200744437, gnomAD 0.03%). This variant has not been reported in the literature in individuals affected with FAM126A-related conditions. ClinVar contains an entry for this variant (Variation ID: 910977). Advanced modeling of protein sequence and biophysical properties (such as structural, functional, and spatial information, amino acid conservation, physicochemical variation, residue mobility, and thermodynamic stability) performed at Invitae indicates that this missense variant is expected to disrupt FAM126A protein function. In summary, the available evidence is currently insufficient to determine the role of this variant in disease. Therefore, it has been classified as a Variant of Uncertain Significance.

CeGaT Center for Human Genetics Tuebingen
Classification: Uncertain significance. Last evaluated: 2021-08-01. Review status: criteria provided, single submitter. Criteria: CeGaT Center For Human Genetics Tuebingen Variant Classification Criteria Version 2. Collection method: clinical testing. Allele origin: germline. Affected: yes. Observed: 1 variant allele.

Illumina Laboratory Services, Illumina
Classification: Uncertain significance for Hypomyelination and Congenital Cataract. Last evaluated: 2018-01-13. Review status: criteria provided, single submitter. Criteria: ICSL Variant Classification Criteria 13 December 2019. Collection method: clinical testing. Allele origin: germline.